The following is an entry in ClinVar:

NM_182961.4(SYNE1):c.20713-318T>A

Gene: SYNE1 (spectrin repeat containing nuclear envelope protein 1; minus strand). Cytogenetic location: 6q25.2.
Variant type: single nucleotide variant.
Coding change: c.20713-318T>A on transcript NM_182961.4 (MANE Select); 318 bases into the intron before coding-DNA position 20713, T replaced by A.
Molecular consequence: intron variant.
Genome position (GRCh38, 1-based): chr6:152,232,583, A>T on the plus strand (T>A on the coding strand, the complement: SYNE1 is on the minus strand). VCF-style: chr6-152232583-A-T. GRCh37 (hg19) VCF-style: chr6-152553718-A-T.
Other names: c.20500-318T>A (NM_033071.5).
Identifiers: ClinVar variation 671572 (VCV000671572.1), dbSNP rs17803970, ClinGen allele CA150190650.

ClinVar aggregate classification (germline): Benign (1 of 4 stars; one submission).

Allele frequency attached by ClinVar (database versions not stated): 1000 Genomes Project 30x 0.06715; gnomAD 0.07108 and 0.07044; TOPMed 0.07569; 1000 Genomes Project 0.06829.
gnomAD v4.1: 10,925 of 152,324 alleles (7.2%); highest among the groups gnomAD compares: Admixed American, 15%; 556 homozygotes.

Submission:

GeneDx
Classification: Benign. Last evaluated: 2018-06-16. Review status: criteria provided, single submitter. Criteria: GeneDx Variant Classification (06012015). Collection method: clinical testing. Allele origin: germline. Affected: yes.
Comment: This variant is considered likely benign or benign based on one or more of the following criteria: it is a conservative change, it occurs at a poorly conserved position in the protein, it is predicted to be benign by multiple in silico algorithms, and/or has population frequency not consistent with disease.